The following is an entry in ClinVar:

ClinVar aggregate classification (germline): Benign. Review status: criteria provided, multiple submitters, no conflicts (2 of 4 stars). 3 submissions from 3 submitters: Benign (2). 1 of the submissions does not count toward it. Last evaluated 2018-12-10.

Conditions:
ANXA1-related disorder. Also called: ANXA1-related condition.

Allele frequency attached by ClinVar (database versions not stated): ESP Exome Variant Server 0.00054; 1000 Genomes Project 0.00060; TOPMed 0.00065; 1000 Genomes Project 30x 0.00094.
gnomAD v4.1: 1,351 of 1,613,784 alleles (0.084%); highest among the groups gnomAD compares: South Asian, 0.42%; 3 homozygotes.

Submissions (3):

Labcorp Genetics (formerly Invitae), Labcorp
Classification: Benign. Last evaluated: 2018-12-10. Review status: criteria provided, single submitter. Criteria: Invitae Variant Classification Sherloc (09022015). Collection method: clinical testing. Allele origin: germline.

Breakthrough Genomics
Classification: Benign. Review status: criteria provided, single submitter. Criteria: ACMG Guidelines, 2015. Collection method: not provided. Allele origin: germline. Inheritance: Unknown mechanism. Affected: yes.

PreventionGenetics, part of Exact Sciences
Classification: Likely benign for ANXA1-related condition. Last evaluated: 2019-05-13. Review status: no assertion criteria provided. Collection method: clinical testing. Allele origin: germline. Not counted in ClinVar's aggregate classification.
Comment: This variant is classified as likely benign based on ACMG/AMP sequence variant interpretation guidelines (Richards et al. 2015 PMID: 25741868, with internal and published modifications).

NM_000700.3(ANXA1):c.105G>T (p.Ala35=)

Gene: ANXA1 (annexin A1; plus strand). Cytogenetic location: 9q21.13.
Variant type: single nucleotide variant.
Coding change: c.105G>T on transcript NM_000700.3 (MANE Select); coding-DNA position 105, G replaced by T.
Protein change: p.Ala35=; no amino-acid change (alanine 35 retained).
Molecular consequence: synonymous variant.
Genome position (GRCh38, 1-based): chr9:73,158,733, G>T. VCF-style: chr9-73158733-G-T. GRCh37 (hg19) VCF-style: chr9-75773649-G-T.
Identifiers: ClinVar variation 784647 (VCV000784647.6), dbSNP rs35304764, ClinGen allele CA5082854.